The following is an entry in ClinVar:

NM_004523.4(KIF11):c.1245AGA[1] (p.Glu417del)

Gene: KIF11 (kinesin family member 11; plus strand). Cytogenetic location: 10q23.33.
Variant type: Microsatellite.
Coding change: c.1245AGA[1] on transcript NM_004523.4 (MANE Select); one copy of the 3-base unit AGA starting at c.1245; the reference has two copies in a row; one copy, 3 bases deleted.
Protein change: p.Glu417del; deletes glutamic acid 417.
Molecular consequence: inframe deletion.
Genome position (GRCh38, 1-based): chr10:92,628,838-92,628,840, AGA deleted; deleting any 3 consecutive bases within chr10:92,628,834-92,628,840 gives the same sequence; the position shown is the placement nearest the transcript's 3' end. VCF-style (leftmost placement, unchanged base first): chr10-92628833-CAAG-C. GRCh37 (hg19) VCF-style: chr10-94388590-CAAG-C.
Other names: short protein forms E417del.
Identifiers: ClinVar variation 4071662 (VCV004071662.2).

ClinVar aggregate classification (germline): Uncertain significance (1 of 4 stars; one submission).

Submission:

GeneDx
Classification: Uncertain significance. Last evaluated: 2025-01-24. Review status: criteria provided, single submitter. Criteria: GeneDx Variant Classification Process June 2021. Collection method: clinical testing. Allele origin: germline. Affected: yes.
Comment: Not observed at significant frequency in large population cohorts (gnomAD); In-frame deletion of 1 amino acid in a non-repeat region; In silico analysis supports a deleterious effect on protein structure/function; Has not been previously published as pathogenic or benign to our knowledge